The following is an entry in ClinVar:

NM_015102.5(NPHP4):c.671C>G (p.Ser224Cys)

Gene: NPHP4 (nephrocystin 4; minus strand). Cytogenetic location: 1p36.31.
Variant type: single nucleotide variant.
Coding change: c.671C>G on transcript NM_015102.5 (MANE Select); coding-DNA position 671, C replaced by G.
Protein change: p.Ser224Cys; replaces serine 224 with cysteine.
Molecular consequence: missense variant. On other transcripts: 5 prime UTR variant (2), non-coding transcript variant (1).
Genome position (GRCh38, 1-based): chr1:5,961,796, G>C on the plus strand (C>G on the coding strand, the complement: NPHP4 is on the minus strand). VCF-style: chr1-5961796-G-C. GRCh37 (hg19) VCF-style: chr1-6021856-G-C.
Other names: c.-559C>G (NM_001291593.2); c.-696C>G (NM_001291594.2); short protein forms S224C.
Identifiers: ClinVar variation 1021890 (VCV001021890.9), dbSNP rs1650382303, ClinGen allele CA338069537.
Genomic context (GRCh38, chr1:5,961,796, plus strand): 5'-CACTGTGAACTAGGACAGACTCACCTCACCAAGTGGAGAGAATCAAAGACGCCCTTACCG[G>C]ATTCTCCATGAGCTGGAAGCAGGCCAGGTATCTGCTGCAGACCAGACACCAGAAGGTTCT-3'
Protein context (NP_055917.1, residues 214-234): IPGLLPAHGE[Ser224Cys]GDALRKPRLQ

ClinVar aggregate classification (germline): Uncertain significance (1 of 4 stars; one submission).

Conditions:
Nephronophthisis. Also called: Juvenile Nephronophthisis. Identifiers: Orphanet 655, MedGen C0687120, MONDO:0019005, HP:0000090.

Submission:

Labcorp Genetics (formerly Invitae), Labcorp
Classification: Uncertain significance for Nephronophthisis. Last evaluated: 2020-02-11. Review status: criteria provided, single submitter. Criteria: Invitae Variant Classification Sherloc (09022015). Collection method: clinical testing. Allele origin: germline.
Comment: This sequence change replaces serine with cysteine at codon 224 of the NPHP4 protein (p.Ser224Cys). The serine residue is weakly conserved and there is a moderate physicochemical difference between serine and cysteine. This variant is not present in population databases (ExAC no frequency). This variant has not been reported in the literature in individuals with NPHP4-related conditions. Algorithms developed to predict the effect of missense changes on protein structure and function are either unavailable or do not agree on the potential impact of this missense change (SIFT: "Deleterious"; PolyPhen-2: "Benign"; Align-GVGD: "Class C0"). In summary, the available evidence is currently insufficient to determine the role of this variant in disease. Therefore, it has been classified as a Variant of Uncertain Significance.